The following is an entry in ClinVar:

ClinVar aggregate classification (germline): Uncertain significance. Review status: criteria provided, multiple submitters, no conflicts (2 of 4 stars). 2 submissions from 2 submitters: Uncertain significance (2). Last evaluated 2025-07-04.

Conditions:
Hereditary cancer-predisposing syndrome. Also called: Neoplastic Syndromes, Hereditary; Tumor predisposition; Hereditary Cancer Syndrome; Hereditary neoplastic syndrome. Identifiers: Orphanet 140162, MedGen C0027672, MeSH D009386, MONDO:0015356.
Gorlin syndrome. Also called: Nevoid Basal Cell Carcinoma Syndrome; Basal cell nevus syndrome. Identifiers: Orphanet 377, MedGen C0004779, MONDO:0007187.

Submissions (2):

Ambry Genetics
Classification: Uncertain significance for Hereditary cancer-predisposing syndrome. Last evaluated: 2025-07-04. Review status: criteria provided, single submitter. Criteria: Ambry Variant Classification Scheme 2023. Collection method: clinical testing. Allele origin: germline.
Comment: The p.P1333L variant (also known as c.3998C>T), located in coding exon 23 of the PTCH1 gene, results from a C to T substitution at nucleotide position 3998. The proline at codon 1333 is replaced by leucine, an amino acid with similar properties. This amino acid position is conserved. In addition, the in silico prediction for this alteration is inconclusive. Based on the available evidence, the clinical significance of this variant remains unclear.

Labcorp Genetics (formerly Invitae), Labcorp
Classification: Uncertain significance for Gorlin syndrome. Last evaluated: 2025-03-26. Review status: criteria provided, single submitter. Criteria: Invitae Variant Classification Sherloc (09022015). Collection method: clinical testing. Allele origin: germline.
Comment: This sequence change replaces proline, which is neutral and non-polar, with leucine, which is neutral and non-polar, at codon 1333 of the PTCH1 protein (p.Pro1333Leu). This variant is not present in population databases (gnomAD no frequency). This variant has not been reported in the literature in individuals affected with PTCH1-related conditions. Invitae Evidence Modeling of protein sequence and biophysical properties (such as structural, functional, and spatial information, amino acid conservation, physicochemical variation, residue mobility, and thermodynamic stability) indicates that this missense variant is not expected to disrupt PTCH1 protein function with a negative predictive value of 95%. In summary, the available evidence is currently insufficient to determine the role of this variant in disease. Therefore, it has been classified as a Variant of Uncertain Significance.

NM_000264.5(PTCH1):c.3998C>T (p.Pro1333Leu)

Gene: PTCH1 (patched 1; minus strand). Cytogenetic location: 9q22.32.
Variant type: single nucleotide variant.
Coding change: c.3998C>T on transcript NM_000264.5 (MANE Select); coding-DNA position 3998, C replaced by T.
Protein change: p.Pro1333Leu; replaces proline 1333 with leucine.
Molecular consequence: missense variant. On other transcripts: non-coding transcript variant (1).
Genome position (GRCh38, 1-based): chr9:95,447,258, G>A on the plus strand (C>T on the coding strand, the complement: PTCH1 is on the minus strand). VCF-style: chr9-95447258-G-A. GRCh37 (hg19) VCF-style: chr9-98209540-G-A.
Other names: c.3800C>T, p.Pro1267Leu (NM_001083602.3); c.3995C>T, p.Pro1332Leu (NM_001083603.3); c.3545C>T, p.Pro1182Leu (NM_001083604.3, NM_001083605.3, NM_001083606.3 and 1 more transcripts); c.3842C>T, p.Pro1281Leu (NM_001354918.2); short protein forms P1182L, P1267L, P1333L, P1281L, P1332L.
Identifiers: ClinVar variation 4146855 (VCV004146855.2).